The following is an entry in ClinVar:

NM_000260.4(MYO7A):c.1652_1654del (p.Ile551del)

Gene: MYO7A (myosin VIIA; plus strand). Cytogenetic location: 11q13.5.
Variant type: Deletion.
Coding change: c.1652_1654del on transcript NM_000260.4 (MANE Select); coding-DNA positions 1652 to 1654, 3 bases deleted (TCA; older notation c.1652_1654delTCA).
Protein change: p.Ile551del; deletes isoleucine 551.
Molecular consequence: inframe deletion.
Genome position (GRCh38, 1-based): chr11:77,162,950-77,162,952, TCA deleted; deleting any 3 consecutive bases within chr11:77,162,948-77,162,952 gives the same sequence; the c. name uses the placement nearest the transcript's 3' end. VCF-style (leftmost placement, unchanged base first): chr11-77162947-GCAT-G. GRCh37 (hg19) VCF-style: chr11-76873993-GCAT-G.
Other names: c.1652_1654del, p.Ile551del (NM_001127180.2); c.1619_1621del, p.Ile540del (NM_001369365.1); short protein forms I540del, I551del.
Identifiers: ClinVar variation 5003588 (VCV005003588.1).
Genomic context (GRCh38, chr11:77,162,947, plus strand): 5'-CCCAGCACAAGCTCAACGCCAACTACATCCCCCCCAAGAACAACCATGAGACCCAGTTTG[GCAT>G]CAACCATTTTGCAGGCATCGTCTACTATGAGACCCAAGGTACAGAGGGCTGCCGGCTGTC-3'

ClinVar aggregate classification (germline): Uncertain significance (1 of 4 stars; one submission).

Conditions:
Usher syndrome type 1 (USH1). Also called: RETINITIS PIGMENTOSA AND CONGENITAL DEAFNESS. Identifiers: Orphanet 231169, Orphanet 886, MedGen C1568247, MONDO:0010168, OMIM 276900.

Submission:

Myriad Genetics, Inc.
Classification: Uncertain significance for Usher syndrome type 1. Last evaluated: 2026-03-01. Review status: criteria provided, single submitter. Criteria: Myriad Autosomal Dominant, Autosomal Recessive and X-Linked Classification Criteria (2023). Collection method: clinical testing. Allele origin: unknown.
Comment: NM_000260.3(MYO7A):c.1652_1654delTCA(I551del) is an in-frame deletion classified as a variant of uncertain significance in the context of MYO7A-related disorders. I551del has not been observed in cases with relevant disease. Relevant functional assessments of this variant are not available in the literature. I551del has not been observed in referenced population frequency databases. In summary, there is insufficient evidence to classify NM_000260.3(MYO7A):c.1652_1654delTCA(I551del) as pathogenic or benign. Please note: this variant was assessed in the context of healthy population screening.